The following is an entry in ClinVar:

NM_058004.4(PI4KA):c.864C>T (p.Cys288=)

Gene: PI4KA (phosphatidylinositol 4-kinase alpha; minus strand). Cytogenetic location: 22q11.21.
Variant type: single nucleotide variant.
Coding change: c.864C>T on transcript NM_058004.4 (MANE Select); coding-DNA position 864, C replaced by T.
Protein change: p.Cys288=; no amino-acid change (cysteine 288 retained).
Molecular consequence: synonymous variant.
Genome position (GRCh38, 1-based): chr22:20,813,499, G>A on the plus strand (C>T on the coding strand, the complement: PI4KA is on the minus strand). VCF-style: chr22-20813499-G-A. GRCh37 (hg19) VCF-style: chr22-21167787-G-A.
Other names: c.864C>T, p.Cys288= (NM_001362862.2, NM_001362863.2).
Identifiers: ClinVar variation 1231169 (VCV001231169.9), dbSNP rs165854, ClinGen allele CA10116656.
Genomic context (GRCh38, chr22:20,813,499, plus strand): 5'-GAAGCTGGAGCTGATGGTTGAAAAGTAGTACTCAGGCTCTAGGGCAGTCCCATCGGGCAA[G>A]CAGGAGGCTGGTGGGAGATAAAGCTGGAAACTCAGCCGTGGTGACAGGCAACTAGGGTAC-3'
Protein context (NP_477352.3, residues 278-298): GSAFHYFEAS[Cys288=]LPDGTALEPE

ClinVar aggregate classification (germline): Benign. Review status: criteria provided, multiple submitters, no conflicts (2 of 4 stars). 5 submissions from 5 submitters: Benign (5). Last evaluated 2024-11-28.

Conditions:
Polymicrogyria, perisylvian, with cerebellar hypoplasia and arthrogryposis (NEDSPLB). Identifiers: MedGen C4225295, MONDO:0014679, OMIM 616531.

Allele frequency attached by ClinVar (database versions not stated): gnomAD exomes 0.40842 and 0.42525; ExAC 0.42333; gnomAD 0.45679 and 0.46048; ESP Exome Variant Server 0.46156; TOPMed 0.48258; 1000 Genomes Project 0.49141; 1000 Genomes Project 30x 0.49875.
gnomAD v4.1: 666,269 of 1,611,922 alleles (41%); highest among the groups gnomAD compares: African/African-American, 58%; 140,907 homozygotes.

Submissions (5):

Blueprint Genetics
Classification: Benign. Last evaluated: 2024-11-28. Review status: criteria provided, single submitter. Criteria: ACMG Guidelines, 2015. Collection method: clinical testing. Allele origin: germline.

Unidad de Genómica Garrahan, Hospital de Pediatría Garrahan
Classification: Benign. Last evaluated: 2024-01-24. Review status: criteria provided, single submitter. Criteria: ACMG Guidelines, 2015. Collection method: clinical testing. Allele origin: germline. Affected: no. Observed: 65 variant alleles.
Comment: This variant is classified as Benign based on local population frequency. This variant was detected in 68% of patients studied by a panel of primary immunodeficiencies. Number of patients: 65. Only high quality variants are reported.

Genome-Nilou Lab
Classification: Benign for Polymicrogyria, perisylvian, with cerebellar hypoplasia and arthrogryposis. Last evaluated: 2021-09-05. Review status: criteria provided, single submitter. Criteria: ACMG Guidelines, 2015. Collection method: clinical testing. Allele origin: germline. Affected: no.

GeneDx
Classification: Benign. Last evaluated: 2018-07-09. Review status: criteria provided, single submitter. Criteria: GeneDx Variant Classification Process June 2021. Collection method: clinical testing. Allele origin: germline. Affected: yes.

Breakthrough Genomics
Classification: Benign. Review status: criteria provided, single submitter. Criteria: ACMG Guidelines, 2015. Collection method: not provided. Allele origin: germline. Inheritance: Autosomal recessive inheritance. Affected: yes.